The following is an entry in ClinVar:

ClinVar aggregate classification (germline): Likely pathogenic (0 of 4 stars; one submission).

Conditions:
Pancreatic cancer, susceptibility to, 3. Identifiers: Orphanet 1333, MedGen C3150547, MONDO:0013236, OMIM 613348.

Submission:

Department of Pathology and Laboratory Medicine, Sinai Health System
Classification: Likely pathogenic for Pancreatic cancer, susceptibility to, 3. Review status: no assertion criteria provided. Collection method: clinical testing. Allele origin: unknown. Affected: yes. Study: The Canadian Open Genetics Repository (COGR).
Comment: The PALB2 c.2835-?_3113+?del variant (chr16:23632683_23634451del GRCh37) results in a in frame deletion of exons 9-10, although the precise breakpoints of this deletion were not determined, nor were the effects of this variant on the resulting mRNA or protein product determined. The PALB2 variant was identified in 1 of 818 proband chromosomes (frequency: 0.001) from individuals or families with breast cancer and was not identified in 2452 control chromosomes from healthy individuals (Janatova 2013). Studies have displayed that the WD40 domains at the C-terminus of PALB2 (residues 850-1186) are necessary for binding of BRCA2; deletions of this region abolish binding and missense variants disrupt binding (Sy 2009, Park 2014). The variant was identified in ClinVar classified as Likely Pathogenic by Invitae. The variant was not identified in dbSNP, or LOVD 3.0. The variant was not identified in the following control databases: the Exome Aggregation Consortium (August 8th 2016), or the Genome Aggregation Database (Feb 27, 2017). This variant is an in-frame deletion; the impact of this alteration on PALB2 protein function is not known. Deletion of exons 9 and 10 would disrupt the WD40 domain and there is evidence to suggest that the WD-40 domain is essential for PALB2 binding to BRCA2, likely affecting PALB2 function. In summary, based on the above information the clinical significance of this variant cannot be determined with certainty at this time although we would lean towards a more pathogenic role for this variant. This variant is classified as likely pathogenic.

NM_024675.4(PALB2):c.2997-161_3113+4del

Gene: PALB2 (partner and localizer of BRCA2; minus strand). Cytogenetic location: 16p12.2.
Variant type: Deletion.
Coding change: c.2997-161_3113+4del on transcript NM_024675.4 (MANE Select); 161 bases into the intron before coding-DNA position 2997 through 4 bases into the intron after coding-DNA position 3113, 282 bases deleted.
Molecular consequence: splice acceptor variant, splice donor variant.
Genome position (GRCh38, 1-based): chr16:23,621,358-23,621,639, 282 bases deleted. GRCh37 (hg19): chr16:23,632,680-23,632,961.
Identifiers: ClinVar variation 1048891 (VCV001048891.1), dbSNP rs2142325910, ClinGen allele CA2499223410.